The following is an entry in ClinVar:

ClinVar aggregate classification (germline): Uncertain significance (1 of 4 stars; one submission).

Conditions:
Supravalvar aortic stenosis (SVAS). Also called: Supravalvar aortic stenosis, Eisenberg type. Identifiers: Orphanet 3193, MedGen C0003499, MONDO:0008504, OMIM 185500, HP:0004381.

Submission:

Labcorp Genetics (formerly Invitae), Labcorp
Classification: Uncertain significance for Supravalvar aortic stenosis. Last evaluated: 2024-09-12. Review status: criteria provided, single submitter. Criteria: Invitae Variant Classification Sherloc (09022015). Collection method: clinical testing. Allele origin: germline.
Comment: This sequence change replaces alanine, which is neutral and non-polar, with valine, which is neutral and non-polar, at codon 688 of the ELN protein (p.Ala688Val). This variant is not present in population databases (gnomAD no frequency). This variant has not been reported in the literature in individuals affected with ELN-related conditions. Invitae Evidence Modeling of protein sequence and biophysical properties (such as structural, functional, and spatial information, amino acid conservation, physicochemical variation, residue mobility, and thermodynamic stability) indicates that this missense variant is not expected to disrupt ELN protein function with a negative predictive value of 80%. In summary, the available evidence is currently insufficient to determine the role of this variant in disease. Therefore, it has been classified as a Variant of Uncertain Significance.

NM_000501.4(ELN):c.1877C>T (p.Ala626Val)

Gene: ELN (elastin; plus strand). Cytogenetic location: 7q11.23.
Variant type: single nucleotide variant.
Coding change: c.1877C>T on transcript NM_000501.4 (MANE Select); coding-DNA position 1877, C replaced by T.
Protein change: p.Ala626Val; replaces alanine 626 with valine.
Molecular consequence: missense variant.
Genome position (GRCh38, 1-based): chr7:74,063,328, C>T. VCF-style: chr7-74063328-C-T. GRCh37 (hg19) VCF-style: chr7-73477658-C-T.
Other names: c.1790C>T, p.Ala597Val (NM_001081752.3); c.1835C>T, p.Ala612Val (NM_001081753.3); c.1892C>T, p.Ala631Val (NM_001081754.3); c.1820C>T, p.Ala607Val (NM_001081755.3); c.1877C>T, p.Ala626Val (NM_001278912.2); c.1634C>T, p.Ala545Val (NM_001278913.2); c.1805C>T, p.Ala602Val (NM_001278914.2); c.1895C>T, p.Ala632Val (NM_001278915.2); and 4 more; short protein forms A545V, A578V, A607V, A632V, A688V, A616V, A626V, A602V.
Identifiers: ClinVar variation 3664725 (VCV003664725.2).
Genomic context (GRCh38, chr7:74,063,328, plus strand): 5'-ACCAGTACAGAGTGCCTCCCTGAACTCGGTCTGTGTTCCCAGGAGCCGGACCCGCCGCCG[C>T]CGCTGCCGCAGCCAAAGCTGCTGCCAAAGCCGCCCAGTTTGGTGAGCACTGGGTGGAGGT-3'
Protein context (NP_000492.2, residues 616-636): GGVVGAGPAA[Ala626Val]AAAAKAAAKA